The following is an entry in ClinVar:

NM_019888.3(MC3R):c.25T>A (p.Ser9Thr)

Gene: MC3R (melanocortin 3 receptor; plus strand). Cytogenetic location: 20q13.2.
Variant type: single nucleotide variant.
Coding change: c.25T>A on transcript NM_019888.3 (MANE Select); coding-DNA position 25, T replaced by A.
Protein change: p.Ser9Thr; replaces serine 9 with threonine.
Molecular consequence: missense variant.
Genome position (GRCh38, 1-based): chr20:56,248,868, T>A. VCF-style: chr20-56248868-T-A. GRCh37 (hg19) VCF-style: chr20-54823924-T-A.
Other names: short protein forms S9T.
Identifiers: ClinVar variation 2634910 (VCV002634910.2), dbSNP rs773530462, ClinGen allele CA9916911.

ClinVar aggregate classification (germline): Uncertain significance (0 of 4 stars; one submission).

Conditions:
MC3R-related disorder. Also called: MC3R-related condition.

Allele frequency attached by ClinVar (database versions not stated): gnomAD 0.00001; gnomAD exomes 0.00002; TOPMed 0.00002; ExAC 0.00003.

Submission:

PreventionGenetics, part of Exact Sciences
Classification: Uncertain significance for MC3R-related condition. Last evaluated: 2024-05-30. Review status: no assertion criteria provided. Collection method: clinical testing. Allele origin: germline.
Comment: The MC3R c.25T>A variant is predicted to result in the amino acid substitution p.Ser9Thr. To our knowledge, this variant has not been reported in the literature. This variant is reported in 0.028% of alleles in individuals of Latino descent in gnomAD. At this time, the clinical significance of this variant is uncertain due to the absence of conclusive functional and genetic evidence.